The following is an entry in ClinVar:

NM_005732.4(RAD50):c.3695A>G (p.Glu1232Gly)

Genes: RAD50 (RAD50 double strand break repair protein; plus strand), TH2-LCR (Th2 cytokine locus control region; plus strand), TH2LCRR (T helper type 2 locus control region associated RNA; minus strand). Cytogenetic location: 5q31.1.
Variant type: single nucleotide variant.
Coding change: c.3695A>G on transcript NM_005732.4 (MANE Select); coding-DNA position 3695, A replaced by G.
Protein change: p.Glu1232Gly; replaces glutamic acid 1232 with glycine.
Molecular consequence: missense variant.
Genome position (GRCh38, 1-based): chr5:132,640,748, A>G. VCF-style: chr5-132640748-A-G. GRCh37 (hg19) VCF-style: chr5-131976440-A-G.
Other names: c.3695A>G (NM_005732.3); short protein forms E1232G.
Identifiers: ClinVar variation 2816346 (VCV002816346.4), dbSNP rs2149865723, ClinGen allele CA360934438.
Genomic context (GRCh38, chr5:132,640,748, plus strand): 5'-TCATTCGCCTGGCCCTGGCTGAAACGTTCTGCCTCAACTGTGGCATCATTGCCTTGGATG[A>G]GCCAACAACAAATCTTGACCGAGAAAACATTGAATCTCTTGCACATGCTCTGGTTGAGTA-3'
Protein context (NP_005723.2, residues 1222-1242): CLNCGIIALD[Glu1232Gly]PTTNLDRENI

ClinVar aggregate classification (germline): Uncertain significance. Review status: criteria provided, multiple submitters, no conflicts (2 of 4 stars). 2 submissions from 2 submitters: Uncertain significance (2). Last evaluated 2026-07-14.

Conditions:
Hereditary cancer-predisposing syndrome. Also called: Hereditary Cancer Syndrome; Hereditary neoplastic syndrome; Neoplastic Syndromes, Hereditary; Tumor predisposition. Identifiers: Orphanet 140162, MedGen C0027672, MeSH D009386, MONDO:0015356.

Submissions (2):

Ambry Genetics
Classification: Uncertain significance for Hereditary cancer-predisposing syndrome. Last evaluated: 2026-07-14. Review status: criteria provided, single submitter. Criteria: Ambry Variant Classification Scheme 2023. Collection method: clinical testing. Allele origin: germline.
Comment: The p.E1232G variant (also known as c.3695A>G), located in coding exon 24 of the RAD50 gene, results from an A to G substitution at nucleotide position 3695. The glutamic acid at codon 1232 is replaced by glycine, an amino acid with similar properties. This amino acid position is conserved. In addition, this alteration is predicted to be deleterious by in silico analysis. Based on the available evidence, the clinical significance of this variant remains unclear.

Labcorp Genetics (formerly Invitae), Labcorp
Classification: Uncertain significance for Hereditary cancer-predisposing syndrome. Last evaluated: 2022-11-24. Review status: criteria provided, single submitter. Criteria: Invitae Variant Classification Sherloc (09022015). Collection method: clinical testing. Allele origin: germline.
Comment: This sequence change replaces glutamic acid, which is acidic and polar, with glycine, which is neutral and non-polar, at codon 1232 of the RAD50 protein (p.Glu1232Gly). This variant is not present in population databases (gnomAD no frequency). This variant has not been reported in the literature in individuals affected with RAD50-related conditions. Advanced modeling of protein sequence and biophysical properties (such as structural, functional, and spatial information, amino acid conservation, physicochemical variation, residue mobility, and thermodynamic stability) performed at Invitae indicates that this missense variant is expected to disrupt RAD50 protein function. In summary, the available evidence is currently insufficient to determine the role of this variant in disease. Therefore, it has been classified as a Variant of Uncertain Significance.